The following is an entry in ClinVar:

NM_013432.5(TONSL):c.1670C>G (p.Pro557Arg)

Genes: TONSL (tonsoku like, DNA repair protein; minus strand), TONSL-AS1 (TONSL antisense RNA 1; plus strand). Cytogenetic location: 8q24.3.
Variant type: single nucleotide variant.
Coding change: c.1670C>G on transcript NM_013432.5 (MANE Select); coding-DNA position 1670, C replaced by G.
Protein change: p.Pro557Arg; replaces proline 557 with arginine.
Molecular consequence: missense variant.
Genome position (GRCh38, 1-based): chr8:144,437,083, G>C on the plus strand (C>G on the coding strand, the complement: TONSL is on the minus strand). VCF-style: chr8-144437083-G-C. GRCh37 (hg19) VCF-style: chr8-145662466-G-C.
Other names: short protein forms P557R.
Identifiers: ClinVar variation 2074092 (VCV002074092.3), dbSNP rs1564731220, ClinGen allele CA372663337.

ClinVar aggregate classification (germline): Uncertain significance (1 of 4 stars; one submission).

gnomAD v4.1: 3 of 1,613,094 alleles (0.00019%); highest among the groups gnomAD compares: Non-Finnish European, 0.00025%; no homozygotes.

Submission:

Labcorp Genetics (formerly Invitae), Labcorp
Classification: Uncertain significance. Last evaluated: 2022-03-26. Review status: criteria provided, single submitter. Criteria: Invitae Variant Classification Sherloc (09022015). Collection method: clinical testing. Allele origin: germline.
Comment: In summary, the available evidence is currently insufficient to determine the role of this variant in disease. Therefore, it has been classified as a Variant of Uncertain Significance. This sequence change replaces proline, which is neutral and non-polar, with arginine, which is basic and polar, at codon 557 of the TONSL protein (p.Pro557Arg). This variant is not present in population databases (gnomAD no frequency). This variant has not been reported in the literature in individuals affected with TONSL-related conditions. Algorithms developed to predict the effect of missense changes on protein structure and function (SIFT, PolyPhen-2, Align-GVGD) all suggest that this variant is likely to be tolerated.